The following is an entry in ClinVar:

NM_000098.3(CPT2):c.1138G>C (p.Val380Leu)

Gene: CPT2 (carnitine palmitoyltransferase 2; plus strand). Cytogenetic location: 1p32.3.
Variant type: single nucleotide variant.
Coding change: c.1138G>C on transcript NM_000098.3 (MANE Select); coding-DNA position 1138, G replaced by C.
Protein change: p.Val380Leu; replaces valine 380 with leucine.
Molecular consequence: missense variant.
Genome position (GRCh38, 1-based): chr1:53,210,812, G>C. VCF-style: chr1-53210812-G-C. GRCh37 (hg19) VCF-style: chr1-53676484-G-C.
Other names: c.1138G>C, p.Val380Leu (NM_001330589.2); short protein forms V380L.
Identifiers: ClinVar variation 2188458 (VCV002188458.1), dbSNP rs144875040, ClinGen allele CA859133.
Genomic context (GRCh38, chr1:53,210,812, plus strand): 5'-ATCGCCAAGGATGGCTCTACTGCCGTCCACTTTGAGCACTCTTGGGGTGATGGTGTGGCA[G>C]TGCTCAGATTTTTTAATGAAGTATTTAAAGACAGCACTCAGACCCCTGCCGTCACTCCAC-3'
Protein context (NP_000089.1, residues 370-390): FEHSWGDGVA[Val380Leu]LRFFNEVFKD

ClinVar aggregate classification (germline): Uncertain significance (1 of 4 stars; one submission).

Conditions:
Carnitine palmitoyltransferase II deficiency. Also called: Carnitine Palmitoyltransferase 2 Deficiency. Identifiers: Orphanet 157, MedGen C0342790, MONDO:0015515.

Allele frequency attached by ClinVar (database versions not stated): ExAC 0.00001; gnomAD 0.00001; TOPMed 0.00001; ESP Exome Variant Server 0.00008.
gnomAD v4.1: 1 of 1,614,064 alleles (0.000062%); highest among the groups gnomAD compares: African/African-American, 0.0013%; no homozygotes.

Submission:

Labcorp Genetics (formerly Invitae), Labcorp
Classification: Uncertain significance for Carnitine palmitoyltransferase II deficiency. Last evaluated: 2022-06-21. Review status: criteria provided, single submitter. Criteria: Invitae Variant Classification Sherloc (09022015). Collection method: clinical testing. Allele origin: germline.
Comment: This sequence change replaces valine, which is neutral and non-polar, with leucine, which is neutral and non-polar, at codon 380 of the CPT2 protein (p.Val380Leu). This variant is present in population databases (rs144875040, gnomAD 0.007%). This variant has not been reported in the literature in individuals affected with CPT2-related conditions. Advanced modeling of protein sequence and biophysical properties (such as structural, functional, and spatial information, amino acid conservation, physicochemical variation, residue mobility, and thermodynamic stability) performed at Invitae indicates that this missense variant is not expected to disrupt CPT2 protein function. In summary, the available evidence is currently insufficient to determine the role of this variant in disease. Therefore, it has been classified as a Variant of Uncertain Significance.